The following is an entry in ClinVar:

ClinVar aggregate classification (germline): Uncertain significance (1 of 4 stars; one submission).

Allele frequency attached by ClinVar (database versions not stated): gnomAD 0.00001; TOPMed 0.00002.
gnomAD v4.1: 46 of 1,332,614 alleles (0.0035%); highest among the groups gnomAD compares: Non-Finnish European, 0.0042%; no homozygotes.

Submission:

Labcorp Genetics (formerly Invitae), Labcorp
Classification: Uncertain significance. Last evaluated: 2025-05-13. Review status: criteria provided, single submitter. Criteria: Invitae Variant Classification Sherloc (09022015). Collection method: clinical testing. Allele origin: germline.
Comment: This sequence change replaces tyrosine, which is neutral and polar, with cysteine, which is neutral and slightly polar, at codon 16 of the GATA5 protein (p.Tyr16Cys). This variant is not present in population databases (gnomAD no frequency). This variant has not been reported in the literature in individuals affected with GATA5-related conditions. ClinVar contains an entry for this variant (Variation ID: 2718152). An algorithm developed to predict the effect of missense changes on protein structure and function (PolyPhen-2) suggests that this variant is likely to be disruptive. In summary, the available evidence is currently insufficient to determine the role of this variant in disease. Therefore, it has been classified as a Variant of Uncertain Significance.

NM_080473.5(GATA5):c.47A>G (p.Tyr16Cys)

Gene: GATA5 (GATA binding protein 5; minus strand). Cytogenetic location: 20q13.33.
Variant type: single nucleotide variant.
Coding change: c.47A>G on transcript NM_080473.5 (MANE Select); coding-DNA position 47, A replaced by G.
Protein change: p.Tyr16Cys; replaces tyrosine 16 with cysteine.
Molecular consequence: missense variant.
Genome position (GRCh38, 1-based): chr20:62,475,475, T>C on the plus strand (A>G on the coding strand, the complement: GATA5 is on the minus strand). VCF-style: chr20-62475475-T-C. GRCh37 (hg19) VCF-style: chr20-61050531-T-C.
Other names: short protein forms Y16C.
Identifiers: ClinVar variation 2718152 (VCV002718152.3), dbSNP rs1202181267, ClinGen allele CA409557987.